The following is an entry in ClinVar:

NM_001201543.2(FAM161A):c.1576G>A (p.Ala526Thr)

Gene: FAM161A (FAM161 centrosomal protein A; minus strand). Cytogenetic location: 2p15.
Variant type: single nucleotide variant.
Coding change: c.1576G>A on transcript NM_001201543.2 (MANE Select); coding-DNA position 1576, G replaced by A.
Protein change: p.Ala526Thr; replaces alanine 526 with threonine.
Molecular consequence: missense variant. On other transcripts: non-coding transcript variant (1).
Genome position (GRCh38, 1-based): chr2:61,839,428, C>T on the plus strand (G>A on the coding strand, the complement: FAM161A is on the minus strand). VCF-style: chr2-61839428-C-T. GRCh37 (hg19) VCF-style: chr2-62066563-C-T.
Other names: c.1576G>A, p.Ala526Thr (NM_032180.3); c.1576G>A (NM_032180.2); short protein forms A526T.
Identifiers: ClinVar variation 991308 (VCV000991308.7), dbSNP rs768632779, ClinGen allele CA1679119.
Genomic context (GRCh38, chr2:61,839,428, plus strand): 5'-ATACACTCATCTGGCAACCATGAGTCAGTCAGTACTGCGTCCTACTTACTTACCTTACGG[C>T]TTGTTCTCGTCCTCTGGAAGATACCGTGGGCACGGGAGGGTTGCAGTTACAAGGCACAGG-3'
Protein context (NP_001188472.1, residues 516-536): PTVSSRGREQ[Ala526Thr]VRRSLEEKKM

ClinVar aggregate classification (germline): Uncertain significance. Review status: criteria provided, multiple submitters, no conflicts (2 of 4 stars). 4 submissions from 4 submitters: Uncertain significance (3). 1 of the submissions does not count toward it. Last evaluated 2025-03-10.

Conditions:
Inborn genetic diseases. Identifiers: MedGen C0950123, MeSH D030342.
Retinitis pigmentosa 28 (RP28). Identifiers: Orphanet 791, MedGen C1419614, MONDO:0011630, OMIM 606068.

Allele frequency attached by ClinVar (database versions not stated): gnomAD 0.00001; gnomAD exomes 0.00001 and 0.00002; TOPMed below 0.00001; ExAC 0.00001.

Submissions (4):

Labcorp Genetics (formerly Invitae), Labcorp
Classification: Uncertain significance. Last evaluated: 2025-03-10. Review status: criteria provided, single submitter. Criteria: Invitae Variant Classification Sherloc (09022015). Collection method: clinical testing. Allele origin: germline.
Comment: This sequence change replaces alanine, which is neutral and non-polar, with threonine, which is neutral and polar, at codon 526 of the FAM161A protein (p.Ala526Thr). This variant is present in population databases (rs768632779, gnomAD 0.01%). This variant has not been reported in the literature in individuals affected with FAM161A-related conditions. ClinVar contains an entry for this variant (Variation ID: 991308). Invitae Evidence Modeling of protein sequence and biophysical properties (such as structural, functional, and spatial information, amino acid conservation, physicochemical variation, residue mobility, and thermodynamic stability) indicates that this missense variant is expected to disrupt FAM161A protein function with a positive predictive value of 80%. In summary, the available evidence is currently insufficient to determine the role of this variant in disease. Therefore, it has been classified as a Variant of Uncertain Significance.

Ambry Genetics
Classification: Uncertain significance for Inborn genetic diseases. Last evaluated: 2021-08-09. Review status: criteria provided, single submitter. Criteria: Ambry Variant Classification Scheme 2023. Collection method: clinical testing. Allele origin: germline.

Blueprint Genetics
Classification: Uncertain significance. Last evaluated: 2019-07-25. Review status: criteria provided, single submitter. Criteria: ACMG Guidelines, 2015. Collection method: clinical testing. Allele origin: germline.

Natera, Inc.
Classification: Uncertain significance for Retinitis pigmentosa type 28. Last evaluated: 2020-08-21. Review status: no assertion criteria provided. Collection method: clinical testing. Allele origin: germline. Not counted in ClinVar's aggregate classification.